The following is an entry in ClinVar:

ClinVar aggregate classification (germline): Benign. Review status: criteria provided, multiple submitters, no conflicts (2 of 4 stars). 5 submissions from 5 submitters: Benign (5). Last evaluated 2026-01-30.

Conditions:
Congenital myasthenic syndrome 12 (CMS12). Also called: MYASTHENIC SYNDROME, CONGENITAL, WITH TUBULAR AGGREGATES 1; Myasthenia, congenital, 12, with tubular aggregates. Identifiers: Orphanet 353327, Orphanet 590, MedGen C3552335, MONDO:0012518, OMIM 610542.

Submissions (5):

Labcorp Genetics (formerly Invitae), Labcorp
Classification: Benign for Congenital myasthenic syndrome 12. Last evaluated: 2026-01-30. Review status: criteria provided, single submitter. Criteria: Invitae Variant Classification Sherloc (09022015). Collection method: clinical testing. Allele origin: germline.

Blueprint Genetics
Classification: Benign. Last evaluated: 2024-11-26. Review status: criteria provided, single submitter. Criteria: ACMG Guidelines, 2015. Collection method: clinical testing. Allele origin: germline.

Molecular Genetics, Royal Melbourne Hospital
Classification: Benign for Congenital myasthenic syndrome 12. Last evaluated: 2023-05-04. Review status: criteria provided, single submitter. Criteria: ACMG Guidelines, 2015. Collection method: clinical testing. Allele origin: germline. Affected: yes.
Comment: African population allele frequency is 53.11% (rs201931307, 80264/168730 alleles, 4671 homozygotes in gnomAD v2.1). Based on the classification scheme RMH Modified ACMG/AMP Guidelines v1.6.1, this variant is classified as BENIGN. Following criteria are met: BA1

Women's Health and Genetics/Laboratory Corporation of America, LabCorp
Classification: Benign. Last evaluated: 2021-04-29. Review status: criteria provided, single submitter. Criteria: LabCorp Variant Classification Summary - May 2015. Collection method: clinical testing. Allele origin: germline.

GeneDx
Classification: Benign. Last evaluated: 2019-08-27. Review status: criteria provided, single submitter. Criteria: GeneDx Variant Classification Process June 2021. Collection method: clinical testing. Allele origin: germline. Affected: yes.

NM_001244710.2(GFPT1):c.2056-11del

Gene: GFPT1 (glutamine--fructose-6-phosphate transaminase 1; minus strand). Cytogenetic location: 2p13.3.
Variant type: Deletion.
Coding change: c.2056-11del on transcript NM_001244710.2 (MANE Select); 11 bases into the intron before coding-DNA position 2056, one base deleted (T; older notation c.2056-11delT).
Molecular consequence: intron variant.
Genome position (GRCh38, 1-based): chr2:69,326,244, A deleted on the plus strand (T on the coding strand, the reverse complement: GFPT1 is on the minus strand); the first of 13 consecutive A bases (chr2:69,326,244-69,326,256); deleting any one gives the same sequence. VCF-style (leftmost placement, unchanged base first): chr2-69326243-GA-G. GRCh37 (hg19) VCF-style: chr2-69553375-GA-G.
Other names: c.2002-11del (NM_002056.4); c.2056-11delT (NM_001244710.2, NM_001244710.1).
Identifiers: ClinVar variation 336873 (VCV000336873.18), dbSNP rs201268947, ClinGen allele CA1693500.